The following is an entry in ClinVar:

ClinVar aggregate classification (germline): Conflicting classifications of pathogenicity. Review status: criteria provided, conflicting classifications (1 of 4 stars). 4 submissions from 4 submitters: Uncertain significance (1); Likely benign (3). Last evaluated 2025-04-15.

Conditions:
Hereditary cancer-predisposing syndrome. Also called: Neoplastic Syndromes, Hereditary; Hereditary Cancer Syndrome; Hereditary neoplastic syndrome; Tumor predisposition. Identifiers: Orphanet 140162, MedGen C0027672, MeSH D009386, MONDO:0015356.
Familial cancer of breast. Also called: BREAST CANCER, FAMILIAL; Hereditary breast cancer; hereditary breast carcinoma. Identifiers: Orphanet 227535, MedGen C0346153, MONDO:0016419, OMIM 114480. Disease mechanism: loss of function.
Hereditary breast ovarian cancer syndrome. Also called: Hereditary breast and ovarian cancer syndrome (HBOC); Hereditary breast and ovarian cancer syndrome; Breast and ovarian cancer; Hereditary breast and/or ovarian cancer syndrome; Hereditary breast and ovarian cancer; BRCA1- and BRCA2-Associated Hereditary Breast and Ovarian Cancer. Identifiers: Orphanet 145, MedGen C0677776, MeSH D061325, MONDO:0003582. Disease mechanism: loss of function.

Allele frequency attached by ClinVar (database versions not stated): gnomAD exomes below 0.00001; gnomAD 0.00001; TOPMed 0.00001.
gnomAD v4.1: 3 of 1,614,044 alleles (0.00019%); highest among the groups gnomAD compares: African/African-American, 0.0013%; no homozygotes.

Submissions (4):

Ambry Genetics
Classification: Likely benign for Hereditary cancer-predisposing syndrome. Last evaluated: 2025-04-15. Review status: criteria provided, single submitter. Criteria: Ambry Variant Classification Scheme 2023. Collection method: clinical testing. Allele origin: germline.

Center for Genomic Medicine, Rigshospitalet, Copenhagen University Hospital
Classification: Likely benign. Last evaluated: 2025-03-04. Review status: criteria provided, single submitter. Criteria: ACMG Guidelines, 2015. Collection method: clinical testing. Allele origin: germline.

MGZ Medical Genetics Center
Classification: Likely benign for Familial cancer of breast. Last evaluated: 2024-02-09. Review status: criteria provided, single submitter. Criteria: CSpec BRCA1/2ACMG Rules Specifications V1.1.0. Collection method: clinical testing. Allele origin: germline. Affected: yes.
Comment: ACMG codes applied following ENIGMA VCEP rules: BP1_STR

Labcorp Genetics (formerly Invitae), Labcorp
Classification: Uncertain significance for Hereditary breast ovarian cancer syndrome. Last evaluated: 2021-08-24. Review status: criteria provided, single submitter. Criteria: Invitae Variant Classification Sherloc (09022015). Collection method: clinical testing. Allele origin: germline.
Comment: This sequence change replaces leucine with valine at codon 3352 of the BRCA2 protein (p.Leu3352Val). The leucine residue is highly conserved and there is a small physicochemical difference between leucine and valine. This variant is not present in population databases (ExAC no frequency). This variant has not been reported in the literature in individuals affected with BRCA2-related conditions. ClinVar contains an entry for this variant (Variation ID: 462216). Algorithms developed to predict the effect of missense changes on protein structure and function are either unavailable or do not agree on the potential impact of this missense change (SIFT: "Tolerated"; PolyPhen-2: "Possibly Damaging"; Align-GVGD: "Class C0"). In summary, the available evidence is currently insufficient to determine the role of this variant in disease. Therefore, it has been classified as a Variant of Uncertain Significance.

NM_000059.4(BRCA2):c.10054C>G (p.Leu3352Val)

Gene: BRCA2 (BRCA2 DNA repair associated; plus strand). Cytogenetic location: 13q13.1.
Variant type: single nucleotide variant.
Coding change: c.10054C>G on transcript NM_000059.4 (MANE Select); coding-DNA position 10054, C replaced by G.
Protein change: p.Leu3352Val; replaces leucine 3352 with valine.
Molecular consequence: missense variant.
Genome position (GRCh38, 1-based): chr13:32,398,567, C>G. VCF-style: chr13-32398567-C-G. GRCh37 (hg19) VCF-style: chr13-32972704-C-G.
Other names: short protein forms L3352V.
Identifiers: ClinVar variation 462216 (VCV000462216.17), dbSNP rs1475702169, ClinGen allele CA387767846.
Genomic context (GRCh38, chr13:32,398,567, plus strand): 5'-TCTCTTTTGGAAAGTAATTCAATAGCTGACGAAGAACTTGCATTGATAAATACCCAAGCT[C>G]TTTTGTCTGGTTCAACAGGAGAAAAACAATTTATATCTGTCAGTGAATCCACTAGGACTG-3'
Protein context (NP_000050.3, residues 3342-3362): EELALINTQA[Leu3352Val]LSGSTGEKQF